The following is an entry in ClinVar:

ClinVar aggregate classification (germline): Uncertain significance. Review status: criteria provided, single submitter (1 of 4 stars). 2 submissions from 2 submitters: Uncertain significance (1). 1 of the submissions does not count toward it. Last evaluated 2025-06-12.

Allele frequency attached by ClinVar (database versions not stated): TOPMed 0.00002; gnomAD 0.00004 and 0.00005; gnomAD exomes 0.00005 and 0.00007; ExAC 0.00007.
gnomAD v4.1: 78 of 1,613,984 alleles (0.0048%); highest among the groups gnomAD compares: South Asian, 0.029%; no homozygotes.

Submissions (2):

Labcorp Genetics (formerly Invitae), Labcorp
Classification: Uncertain significance. Last evaluated: 2025-06-12. Review status: criteria provided, single submitter. Criteria: Invitae Variant Classification Sherloc (09022015). Collection method: clinical testing. Allele origin: germline.
Comment: This sequence change replaces arginine, which is basic and polar, with glutamine, which is neutral and polar, at codon 411 of the TNFAIP3 protein (p.Arg411Gln). This variant is present in population databases (rs587778713, gnomAD 0.03%), and has an allele count higher than expected for a pathogenic variant. This variant has not been reported in the literature in individuals affected with TNFAIP3-related conditions. ClinVar contains an entry for this variant (Variation ID: 135342). Invitae Evidence Modeling of protein sequence and biophysical properties (such as structural, functional, and spatial information, amino acid conservation, physicochemical variation, residue mobility, and thermodynamic stability) indicates that this missense variant is not expected to disrupt TNFAIP3 protein function with a negative predictive value of 80%. In summary, the available evidence is currently insufficient to determine the role of this variant in disease. Therefore, it has been classified as a Variant of Uncertain Significance.

ITMI
No classification provided. Condition: AllHighlyPenetrant. Last evaluated: 2013-09-19. Review status: no classification provided. Collection method: reference population. Allele origin: germline. Not counted in ClinVar's aggregate classification.
Comment: Please see associated publication for description of ethnicities

Literature cited by the submitters: PubMed 24728327 (cited by ITMI).

NM_001270508.2(TNFAIP3):c.1232G>A (p.Arg411Gln)

Gene: TNFAIP3 (TNF alpha induced protein 3; plus strand). Cytogenetic location: 6q23.3.
Variant type: single nucleotide variant.
Coding change: c.1232G>A on transcript NM_001270508.2 (MANE Select); coding-DNA position 1232, G replaced by A.
Protein change: p.Arg411Gln; replaces arginine 411 with glutamine.
Molecular consequence: missense variant.
Genome position (GRCh38, 1-based): chr6:137,878,677, G>A. VCF-style: chr6-137878677-G-A. GRCh37 (hg19) VCF-style: chr6-138199814-G-A.
Other names: c.1232G>A, p.Arg411Gln (NM_001270507.2, NM_006290.4); short protein forms R411Q.
Identifiers: ClinVar variation 135342 (VCV000135342.7), dbSNP rs587778713, ClinGen allele CA162431.
Genomic context (GRCh38, chr6:137,878,677, plus strand): 5'-ACTGCCCCTTCTTCATGTCTGTGAACACCCAGCCTTTATGCCATGAGTGCTCAGAGAGGC[G>A]GCAAAAGAATCAAAACAAACTCCCAAAGCTGAACTCCAAGCCGGGCCCTGAGGGGCTCCC-3'
Protein context (NP_001257437.1, residues 401-421): QPLCHECSER[Arg411Gln]QKNQNKLPKL